The following is an entry in ClinVar:

ClinVar aggregate classification (germline): Benign. Review status: criteria provided, multiple submitters, no conflicts (2 of 4 stars). 2 submissions from 2 submitters: Benign (2). Last evaluated 2018-01-13.

Conditions:
Autosomal dominant nocturnal frontal lobe epilepsy 4. Also called: EPILEPSY, FAMILIAL, WITH NOCTURNAL WANDERING AND ICTAL FEAR; CHRNA2-Related Nocturnal Frontal Lobe Epilepsy, Autosomal Dominant. Identifiers: Orphanet 98784, MedGen C1835905, MONDO:0012474, OMIM 610353.

Allele frequency attached by ClinVar (database versions not stated): 1000 Genomes Project 0.35903; TOPMed 0.39581; gnomAD 0.40648 and 0.40767; gnomAD exomes 0.45679; 1000 Genomes Project 30x 0.35603.

Submissions (2):

Illumina Laboratory Services, Illumina
Classification: Benign for Autosomal dominant nocturnal frontal lobe epilepsy 4. Last evaluated: 2018-01-13. Review status: criteria provided, single submitter. Criteria: ICSL Variant Classification Criteria 13 December 2019. Collection method: clinical testing. Allele origin: germline.
Comment: This variant was observed in the ICSL laboratory as part of a predisposition screen in an ostensibly healthy population. It had not been previously curated by ICSL or reported in the Human Gene Mutation Database (HGMD: prior to June 1st, 2018), and was therefore a candidate for classification through an automated scoring system. Utilizing variant allele frequency, disease prevalence and penetrance estimates, and inheritance mode, an automated score was calculated to assess if this variant is too frequent to cause the disease. Based on the score and internal cut-off values, a variant classified as benign is not then subjected to further curation. The score for this variant resulted in a classification of benign for this disease.

Breakthrough Genomics
Classification: Benign. Review status: criteria provided, single submitter. Criteria: ACMG Guidelines, 2015. Collection method: not provided. Allele origin: germline. Inheritance: Autosomal dominant inheritance. Affected: yes.

NM_000742.4(CHRNA2):c.*721G>T

Gene: CHRNA2 (cholinergic receptor nicotinic alpha 2 subunit; minus strand). Cytogenetic location: 8p21.2.
Variant type: single nucleotide variant.
Coding change: c.*721G>T on transcript NM_000742.4 (MANE Select); 721 bases downstream of the stop codon, G replaced by T.
Molecular consequence: 3 prime UTR variant.
Genome position (GRCh38, 1-based): chr8:27,460,908, C>A on the plus strand (G>T on the coding strand, the complement: CHRNA2 is on the minus strand). VCF-style: chr8-27460908-C-A. GRCh37 (hg19) VCF-style: chr8-27318425-C-A.
Other names: c.*721G>T (NM_001282455.2, NM_001347705.2, NM_001347706.2 and 2 more transcripts).
Identifiers: ClinVar variation 362683 (VCV000362683.6), dbSNP rs2292975, ClinGen allele CA10630773.